The following is an entry in ClinVar:

ClinVar aggregate classification (germline): Likely benign (0 of 4 stars; one submission).

Conditions:
SFTPA2-related disorder. Also called: SFTPA2-related condition.

Submission:

PreventionGenetics, part of Exact Sciences
Classification: Likely benign for SFTPA2-related condition. Last evaluated: 2024-03-29. Review status: no assertion criteria provided. Collection method: clinical testing. Allele origin: germline.
Comment: This variant is classified as likely benign based on ACMG/AMP sequence variant interpretation guidelines (Richards et al. 2015 PMID: 25741868, with internal and published modifications).

NM_001098668.4(SFTPA2):c.727C>T (p.Leu243=)

Gene: SFTPA2 (surfactant protein A2; minus strand). Cytogenetic location: 10q22.3.
Variant type: single nucleotide variant.
Coding change: c.727C>T on transcript NM_001098668.4 (MANE Select); coding-DNA position 727, C replaced by T.
Protein change: p.Leu243=; no amino-acid change (leucine 243 retained).
Molecular consequence: synonymous variant.
Genome position (GRCh38, 1-based): chr10:79,557,229, G>A on the plus strand (C>T on the coding strand, the complement: SFTPA2 is on the minus strand). VCF-style: chr10-79557229-G-A. GRCh37 (hg19) VCF-style: chr10-81316985-G-A.
Other names: c.727C>T, p.Leu243= (NM_001320813.2); c.757C>T, p.Leu253= (NM_001320814.1).
Identifiers: ClinVar variation 3355801 (VCV003355801.1).
Genomic context (GRCh38, chr10:79,557,229, plus strand): 5'-GCCAGACAGGATCCTCCCTGTCCCATGGCCTAAATGCCTCTCAGAACTCACAGATGGTCA[G>A]TCGGGAGTACAGGCAGTTCCTGTCATTCCACTGCCCATCTGTGTACATCTCCACACACTG-3'
Protein context (NP_001092138.1, residues 233-248): WNDRNCLYSR[Leu243=]TICEF